The following is an entry in ClinVar:

NM_032242.4(PLXNA1):c.1445A>T (p.Glu482Val)

Gene: PLXNA1 (plexin A1; plus strand). Cytogenetic location: 3q21.3.
Variant type: single nucleotide variant.
Coding change: c.1445A>T on transcript NM_032242.4 (MANE Select); coding-DNA position 1445, A replaced by T.
Protein change: p.Glu482Val; replaces glutamic acid 482 with valine.
Molecular consequence: missense variant.
Genome position (GRCh38, 1-based): chr3:127,003,397, A>T. VCF-style: chr3-127003397-A-T. GRCh37 (hg19) VCF-style: chr3-126722240-A-T.
Other names: short protein forms E482V.
Identifiers: ClinVar variation 3421106 (VCV003421106.2).

ClinVar aggregate classification (germline): Uncertain significance. Review status: criteria provided, multiple submitters, no conflicts (2 of 4 stars). 2 submissions from 2 submitters: Uncertain significance (2). Last evaluated 2025-02-26.

Conditions:
PLXNA1-related disorder. Also called: PLXNA1-related condition.

gnomAD v4.1: 15 of 1,612,096 alleles (0.00093%); highest among the groups gnomAD compares: African/African-American, 0.02%; no homozygotes.

Submissions (2):

PreventionGenetics, part of Exact Sciences
Classification: Uncertain significance for PLXNA1-related condition. Last evaluated: 2025-02-26. Review status: criteria provided, single submitter. Criteria: ACMG Guidelines, 2015. Collection method: clinical testing. Allele origin: germline.
Comment: The PLXNA1 c.1445A>T variant is predicted to result in the amino acid substitution p.Glu482Val. To our knowledge, this variant has not been reported in the literature. This variant is reported in 0.032% of alleles in individuals of African descent in gnomAD. At this time, the clinical significance of this variant is uncertain due to the absence of conclusive functional and genetic evidence.

Ambry Genetics
Classification: Uncertain significance. Last evaluated: 2024-11-19. Review status: criteria provided, single submitter. Criteria: Ambry Variant Classification Scheme 2023. Collection method: clinical testing. Allele origin: germline.